The following is an entry in ClinVar:

NM_000222.3(KIT):c.2351C>T (p.Ala784Val)

Gene: KIT (KIT proto-oncogene, receptor tyrosine kinase; plus strand). Cytogenetic location: 4q12.
Variant type: single nucleotide variant.
Coding change: c.2351C>T on transcript NM_000222.3 (MANE Select); coding-DNA position 2351, C replaced by T.
Protein change: p.Ala784Val; replaces alanine 784 with valine.
Molecular consequence: missense variant.
Genome position (GRCh38, 1-based): chr4:54,731,988, C>T. VCF-style: chr4-54731988-C-T. GRCh37 (hg19) VCF-style: chr4-55598154-C-T.
Other names: c.2339C>T, p.Ala780Val (NM_001093772.2, NM_001385292.1); c.2354C>T, p.Ala785Val (NM_001385284.1); c.2348C>T, p.Ala783Val (NM_001385285.1); c.2336C>T, p.Ala779Val (NM_001385286.1); c.2342C>T, p.Ala781Val (NM_001385288.1); c.2351C>T, p.Ala784Val (NM_001385290.1); short protein forms A779V, A780V, A785V, A781V, A783V, A784V.
Identifiers: ClinVar variation 5023286 (VCV005023286.1).

ClinVar aggregate classification (germline): Uncertain significance (1 of 4 stars; one submission).

Conditions:
Hereditary cancer-predisposing syndrome. Also called: Neoplastic Syndromes, Hereditary; Tumor predisposition; Hereditary neoplastic syndrome; Hereditary Cancer Syndrome. Identifiers: Orphanet 140162, MedGen C0027672, MeSH D009386, MONDO:0015356.

gnomAD v4.1: 2 of 1,613,166 alleles (0.00012%); highest among the groups gnomAD compares: East Asian, 0.0022%; no homozygotes.

Submission:

Ambry Genetics
Classification: Uncertain significance for Hereditary cancer-predisposing syndrome. Last evaluated: 2026-09-11. Review status: criteria provided, single submitter. Criteria: Ambry Variant Classification Scheme 2023. Collection method: clinical testing. Allele origin: germline.
Comment: The p.A784V variant (also known as c.2351C>T), located in coding exon 16 of the KIT gene, results from a C to T substitution at nucleotide position 2351. The alanine at codon 784 is replaced by valine, an amino acid with similar properties. This amino acid position is well conserved in available vertebrate species. In addition, the in silico prediction for this alteration is inconclusive. Based on the available evidence, the clinical significance of this variant remains unclear.